The following is an entry in ClinVar:

NM_000553.6(WRN):c.3772T>G (p.Ser1258Ala)

Gene: WRN (WRN RecQ like helicase; plus strand). Cytogenetic location: 8p12.
Variant type: single nucleotide variant.
Coding change: c.3772T>G on transcript NM_000553.6 (MANE Select); coding-DNA position 3772, T replaced by G.
Protein change: p.Ser1258Ala; replaces serine 1258 with alanine.
Molecular consequence: missense variant.
Genome position (GRCh38, 1-based): chr8:31,154,708, T>G. VCF-style: chr8-31154708-T-G. GRCh37 (hg19) VCF-style: chr8-31012224-T-G.
Other names: short protein forms S1258A.
Identifiers: ClinVar variation 959779 (VCV000959779.7), dbSNP rs1803305771, ClinGen allele CA370929152.

ClinVar aggregate classification (germline): Uncertain significance. Review status: criteria provided, multiple submitters, no conflicts (2 of 4 stars). 2 submissions from 2 submitters: Uncertain significance (2). Last evaluated 2024-05-29.

Conditions:
Inborn genetic diseases. Identifiers: MedGen C0950123, MeSH D030342.
Werner syndrome (WRN). Identifiers: Orphanet 902, MedGen C0043119, MONDO:0010196, OMIM 277700.

Submissions (2):

Labcorp Genetics (formerly Invitae), Labcorp
Classification: Uncertain significance for Werner syndrome. Last evaluated: 2024-05-29. Review status: criteria provided, single submitter. Criteria: Invitae Variant Classification Sherloc (09022015). Collection method: clinical testing. Allele origin: germline.
Comment: This sequence change replaces serine, which is neutral and polar, with alanine, which is neutral and non-polar, at codon 1258 of the WRN protein (p.Ser1258Ala). This variant is not present in population databases (gnomAD no frequency). This variant has not been reported in the literature in individuals affected with WRN-related conditions. ClinVar contains an entry for this variant (Variation ID: 959779). An algorithm developed to predict the effect of missense changes on protein structure and function (PolyPhen-2) suggests that this variant is likely to be tolerated. Algorithms developed to predict the effect of sequence changes on RNA splicing suggest that this variant may create or strengthen a splice site. In summary, the available evidence is currently insufficient to determine the role of this variant in disease. Therefore, it has been classified as a Variant of Uncertain Significance.

Ambry Genetics
Classification: Uncertain significance for Inborn genetic diseases. Last evaluated: 2024-02-06. Review status: criteria provided, single submitter. Criteria: Ambry Variant Classification Scheme 2023. Collection method: clinical testing. Allele origin: germline.